The following is an entry in ClinVar:

ClinVar aggregate classification (germline): Uncertain significance. Review status: criteria provided, multiple submitters, no conflicts (2 of 4 stars). 4 submissions from 4 submitters: Uncertain significance (4). Last evaluated 2025-11-19.

Conditions:
Facial dysmorphism-immunodeficiency-livedo-short stature syndrome. Also called: Facial dysmorphism, immunodeficiency, livedo, and short stature; FILS syndrome. Identifiers: Orphanet 352712, MedGen C3554576, MONDO:0014058, OMIM 615139.
Colorectal cancer, susceptibility to, 12 (CRCS12). Also called: COLORECTAL CANCER, SUSCEPTIBILITY TO, ON CHROMOSOME 12q24. Identifiers: Orphanet 220460, MedGen C3554460, MONDO:0014038, OMIM 615083.
Intrauterine growth retardation, metaphyseal dysplasia, adrenal hypoplasia congenita, genital anomalies, and immunodeficiency. Also called: IMAGEI SYNDROME. Identifiers: MedGen C5193036, MONDO:0032684, OMIM 618336.
Hereditary cancer-predisposing syndrome. Also called: Hereditary Cancer Syndrome; Hereditary neoplastic syndrome; Neoplastic Syndromes, Hereditary; Tumor predisposition. Identifiers: Orphanet 140162, MedGen C0027672, MeSH D009386, MONDO:0015356.

Allele frequency attached by ClinVar (database versions not stated): gnomAD exomes below 0.00001 and 0.00001.

Submissions (4):

Labcorp Genetics (formerly Invitae), Labcorp
Classification: Uncertain significance. Last evaluated: 2025-11-19. Review status: criteria provided, single submitter. Criteria: Invitae Variant Classification Sherloc (09022015). Collection method: clinical testing. Allele origin: germline.
Comment: This sequence change replaces histidine, which is basic and polar, with arginine, which is basic and polar, at codon 1842 of the POLE protein (p.His1842Arg). This variant is present in population databases (no rsID available, gnomAD no frequency). This variant has not been reported in the literature in individuals affected with POLE-related conditions. ClinVar contains an entry for this variant (Variation ID: 405651). Invitae Evidence Modeling of protein sequence and biophysical properties (such as structural, functional, and spatial information, amino acid conservation, physicochemical variation, residue mobility, and thermodynamic stability) indicates that this missense variant is not expected to disrupt POLE protein function with a negative predictive value of 80%. In summary, the available evidence is currently insufficient to determine the role of this variant in disease. Therefore, it has been classified as a Variant of Uncertain Significance.

Ambry Genetics
Classification: Uncertain significance for Hereditary cancer-predisposing syndrome. Last evaluated: 2025-05-16. Review status: criteria provided, single submitter. Criteria: Ambry Variant Classification Scheme 2023. Collection method: clinical testing. Allele origin: germline.
Comment: The p.H1842R variant (also known as c.5525A>G), located in coding exon 40 of the POLE gene, results from an A to G substitution at nucleotide position 5525. The histidine at codon 1842 is replaced by arginine, an amino acid with highly similar properties. This amino acid position is well conserved in available vertebrate species. In addition, this alteration is predicted to be tolerated by in silico analysis. Based on the available evidence, the clinical significance of this variant remains unclear.

Department of Pathology and Laboratory Medicine, Sinai Health System
Classification: Uncertain significance for Colorectal cancer, susceptibility to, 12; Facial dysmorphism-immunodeficiency-livedo-short stature syndrome; Intrauterine growth retardation, metaphyseal dysplasia, adrenal hypoplasia congenita, genital anomalies, and immunodeficiency. Last evaluated: 2020-09-17. Review status: criteria provided, single submitter. Criteria: ACMG Guidelines, 2015. Collection method: clinical testing. Allele origin: germline. Affected: yes.

GeneDx
Classification: Uncertain significance. Last evaluated: 2019-10-24. Review status: criteria provided, single submitter. Criteria: GeneDx Variant Classification Process June 2021. Collection method: clinical testing. Allele origin: germline. Affected: yes.
Comment: Not observed at a significant frequency in large population cohorts (Lek 2016); In silico analysis, which includes protein predictors and evolutionary conservation, supports a deleterious effect; Has not been previously published as pathogenic or benign to our knowledge

NM_006231.4(POLE):c.5525A>G (p.His1842Arg)

Gene: POLE (DNA polymerase epsilon, catalytic subunit; minus strand). Cytogenetic location: 12q24.33.
Variant type: single nucleotide variant.
Coding change: c.5525A>G on transcript NM_006231.4 (MANE Select); coding-DNA position 5525, A replaced by G.
Protein change: p.His1842Arg; replaces histidine 1842 with arginine.
Molecular consequence: missense variant.
Genome position (GRCh38, 1-based): chr12:132,639,152, T>C on the plus strand (A>G on the coding strand, the complement: POLE is on the minus strand). VCF-style: chr12-132639152-T-C. GRCh37 (hg19) VCF-style: chr12-133215738-T-C.
Other names: short protein forms H1842R.
Identifiers: ClinVar variation 405651 (VCV000405651.15), dbSNP rs1060500795, ClinGen allele CA16613794.